The following is an entry in ClinVar:

NM_018699.4(PRDM5):c.1151G>T (p.Gly384Val)

Gene: PRDM5 (PR/SET domain 5; minus strand). Cytogenetic location: 4q27.
Variant type: single nucleotide variant.
Coding change: c.1151G>T on transcript NM_018699.4 (MANE Select); coding-DNA position 1151, G replaced by T.
Protein change: p.Gly384Val; replaces glycine 384 with valine.
Molecular consequence: missense variant.
Genome position (GRCh38, 1-based): chr4:120,798,304, C>A on the plus strand (G>T on the coding strand, the complement: PRDM5 is on the minus strand). VCF-style: chr4-120798304-C-A. GRCh37 (hg19) VCF-style: chr4-121719459-C-A.
Other names: c.1058G>T, p.Gly353Val (NM_001300823.2, NM_001300824.2, NM_001379106.1); c.1184G>T, p.Gly395Val (NM_001379104.1); short protein forms G353V, G384V, G395V.
Identifiers: ClinVar variation 1734204 (VCV001734204.2), dbSNP rs762154293, ClinGen allele CA358210094.

ClinVar aggregate classification (germline): Uncertain significance (1 of 4 stars; one submission).

Conditions:
Cardiovascular phenotype. Identifiers: MedGen CN230736.

Allele frequency attached by ClinVar (database versions not stated): gnomAD 0.00001; TOPMed 0.00002.
gnomAD v4.1: 1 of 1,609,976 alleles (0.000062%); highest among the groups gnomAD compares: African/African-American, 0.0013%; no homozygotes.

Submission:

Ambry Genetics
Classification: Uncertain significance for Cardiovascular phenotype. Last evaluated: 2022-06-19. Review status: criteria provided, single submitter. Criteria: Ambry Variant Classification Scheme 2023. Collection method: clinical testing. Allele origin: germline.
Comment: The p.G384V variant (also known as c.1151G>T), located in coding exon 10 of the PRDM5 gene, results from a G to T substitution at nucleotide position 1151. The glycine at codon 384 is replaced by valine, an amino acid with dissimilar properties. This amino acid position is conserved. In addition, this alteration is predicted to be tolerated by in silico analysis. Since supporting evidence is limited at this time, the clinical significance of this alteration remains unclear.